The following is an entry in ClinVar:

ClinVar aggregate classification (germline): Likely benign. Review status: criteria provided, single submitter (1 of 4 stars). 2 submissions from 2 submitters: Likely benign (1). 1 of the submissions does not count toward it. Last evaluated 2025-02-24.

Conditions:
Hereditary breast ovarian cancer syndrome. Also called: Hereditary breast and ovarian cancer syndrome; Hereditary breast and ovarian cancer syndrome (HBOC); Breast and ovarian cancer; Hereditary breast and ovarian cancer; Hereditary breast and/or ovarian cancer syndrome; BRCA1- and BRCA2-Associated Hereditary Breast and Ovarian Cancer. Identifiers: Orphanet 145, MedGen C0677776, MeSH D061325, MONDO:0003582. Disease mechanism: loss of function.
Familial cancer of breast. Also called: BREAST CANCER, FAMILIAL; Hereditary breast cancer; hereditary breast carcinoma. Identifiers: Orphanet 227535, MedGen C0346153, MONDO:0016419, OMIM 114480. Disease mechanism: loss of function.

Submissions (2):

Breast Care Center, Daerim St. Mary`s Hospital
Classification: Likely benign for Hereditary breast and ovarian cancer syndrome. Last evaluated: 2025-02-24. Review status: criteria provided, single submitter. Criteria: ACMG Guidelines, 2015. Collection method: clinical testing. Allele origin: germline. Inheritance: Autosomal dominant inheritance. Affected: yes. Observed: 40 variant alleles, 40 heterozygotes.
Comment: This c.536A>T (p.Tyr179Phe) variant is a missense variant located in coding exon 7 of the BRCA1 gene. Although multiple computational prediction tools support a deleterious effect on the BRCA1 or its product, well-established functional studies have shown no damaging effect on protein function or splicing (PMID:33087888). This variant is not reported in the gnomAD genomes and exomes database. However, we identified 52 cases (2.32%) among 2,242 individuals at high risk for hereditary breast and ovarian cancer syndrome. Of these, 40 cases (2.29%) were found in affected individuals, including those with breast cancer (n = 1,673), ovarian cancer (n = 11), and other cancers such as prostate and pancreatic cancer. The remaining 12 cases (2.41%) were observed in unaffected individuals with a family history of breast and/or ovarian cancer (n = 498). In particular, eight individuals were co-detected with pathogenic variants in BRCA1 (three cases) or BRCA2 (five cases), including five individuals with breast cancer. The cis/trans status could not be determined for the BRCA1 cases. Based on the available evidence, this variant is classified as likely benign.

Center for Precision Medicine, Meizhou People's Hospital
Classification: Uncertain significance for Familial cancer of breast. Review status: no assertion criteria provided. Collection method: curation. Allele origin: germline. Affected: yes. Not counted in ClinVar's aggregate classification.

NM_007294.4(BRCA1):c.536A>T (p.Tyr179Phe)

Gene: BRCA1 (BRCA1 DNA repair associated; minus strand). Cytogenetic location: 17q21.31.
Variant type: single nucleotide variant.
Coding change: c.536A>T on transcript NM_007294.4 (MANE Select); coding-DNA position 536, A replaced by T.
Protein change: p.Tyr179Phe; replaces tyrosine 179 with phenylalanine.
Molecular consequence: missense variant. On other transcripts: non-coding transcript variant (1).
Genome position (GRCh38, 1-based): chr17:43,099,786, T>A on the plus strand (A>T on the coding strand, the complement: BRCA1 is on the minus strand). VCF-style: chr17-43099786-T-A. GRCh37 (hg19) VCF-style: chr17-41251803-T-A.
Other names: c.533A>T, p.Tyr178Phe (NM_001407630.1, NM_001407631.1, NM_001407632.1 and 65 more transcripts); c.536A>T, p.Tyr179Phe (NM_001407639.1, NM_001407640.1, NM_001407641.1 and 97 more transcripts); c.527A>T, p.Tyr176Phe (NM_001407646.1, NM_001407647.1, NM_001408408.1); c.458A>T, p.Tyr153Phe (NM_001407653.1, NM_001407654.1, NM_001407655.1 and 12 more transcripts); c.455A>T, p.Tyr152Phe (NM_001407659.1, NM_001407660.1, NM_001407661.1 and 6 more transcripts); c.395A>T, p.Tyr132Phe (NM_001407692.1, NM_001407694.1, NM_001407695.1 and 61 more transcripts); c.392A>T, p.Tyr131Phe (NM_001407740.1, NM_001407741.1, NM_001407742.1 and 35 more transcripts); c.323A>T, p.Tyr108Phe (NM_001407853.1, NM_001407894.1, NM_001407895.1 and 18 more transcripts); and 4 more; short protein forms Y132F, Y179F, Y152F, Y51F, Y52F, Y108F, Y109F, Y134F.
Identifiers: ClinVar variation 1687140 (VCV001687140.4), dbSNP rs56187033, ClinGen allele CA10601070.